The following is an entry in ClinVar:

NM_017780.4(CHD7):c.6243C>A (p.Cys2081Ter)

Gene: CHD7 (chromodomain helicase DNA binding protein 7; plus strand). Cytogenetic location: 8q12.2.
Variant type: single nucleotide variant.
Coding change: c.6243C>A on transcript NM_017780.4 (MANE Select); coding-DNA position 6243, C replaced by A.
Protein change: p.Cys2081Ter; replaces cysteine 2081 with a stop codon.
Molecular consequence: nonsense. On other transcripts: intron variant (1).
Genome position (GRCh38, 1-based): chr8:60,852,968, C>A. VCF-style: chr8-60852968-C-A. GRCh37 (hg19) VCF-style: chr8-61765527-C-A.
Other names: c.1717-9261C>A (NM_001316690.1); c.6243C>A (LRG_176t1); short protein forms C2081*.
Identifiers: ClinVar variation 280354 (VCV000280354.2), dbSNP rs886041575, ClinGen allele CA10603119.

ClinVar aggregate classification (germline): Pathogenic (1 of 4 stars; one submission).

Submission:

GeneDx
Classification: Pathogenic. Last evaluated: 2016-02-23. Review status: criteria provided, single submitter. Criteria: GeneDx Variant Classification (06012015). Collection method: clinical testing. Allele origin: germline. Affected: yes.
Comment: The C2081X pathogenic variant in the CHD7 gene has not been reported previously as a pathogenic variant nor as a benign variant, to our knowledge. Approximately 45% of CHD7 pathogenic variants are nonsense changes predicted to cause loss of normal protein function either through protein truncation or nonsense-mediated mRNA decay (Janssen et al., 2012; Zentner et al, 2010). Additionally, the C2081X variant was not observed in approximately 6,200 individuals of European and African American ancestry in the NHLBI Exome Sequencing Project, indicating it is not a common benign variant in these populations. We interpret C2081X as a pathogenic variant.